The following is an entry in ClinVar:

NM_001191061.2(SLC25A22):c.293+6G>A

Gene: SLC25A22 (solute carrier family 25 member 22; minus strand). Cytogenetic location: 11p15.5.
Variant type: single nucleotide variant.
Coding change: c.293+6G>A on transcript NM_001191061.2 (MANE Select); 6 bases into the intron after coding-DNA position 293, G replaced by A.
Molecular consequence: intron variant.
Genome position (GRCh38, 1-based): chr11:793,523, C>T on the plus strand (G>A on the coding strand, the complement: SLC25A22 is on the minus strand). VCF-style: chr11-793523-C-T. GRCh37 (hg19) VCF-style: chr11-793523-C-T.
Other names: c.293+6G>A (NM_001191060.2, NM_024698.6).
Identifiers: ClinVar variation 385386 (VCV000385386.9), dbSNP rs375955950, ClinGen allele CA5789265.

ClinVar aggregate classification (germline): Conflicting classifications of pathogenicity. Review status: criteria provided, conflicting classifications (1 of 4 stars). 2 submissions from 2 submitters: Uncertain significance (1); Likely benign (1). Last evaluated 2026-01-05.

Conditions:
Early-infantile DEE. Also called: Early infantile epileptic encephalopathy with suppression bursts; Ohtahara syndrome; Early infantile epileptic encephalopathy. Identifiers: Orphanet 1934, MedGen C0393706, MONDO:0800491.

Allele frequency attached by ClinVar (database versions not stated): gnomAD exomes 0.00002 and 0.00006; TOPMed 0.00002; ExAC 0.00006; gnomAD 0.00006 and 0.00007; ESP Exome Variant Server 0.00023.

Submissions (2):

Labcorp Genetics (formerly Invitae), Labcorp
Classification: Uncertain significance for Early-infantile DEE. Last evaluated: 2026-01-05. Review status: criteria provided, single submitter. Criteria: Invitae Variant Classification Sherloc (09022015). Collection method: clinical testing. Allele origin: germline.
Comment: This sequence change falls in intron 5 of the SLC25A22 gene. It does not directly change the encoded amino acid sequence of the SLC25A22 protein. It affects a nucleotide within the consensus splice site. This variant is present in population databases (rs375955950, gnomAD 0.04%). This variant has not been reported in the literature in individuals affected with SLC25A22-related conditions. ClinVar contains an entry for this variant (Variation ID: 385386). Variants that disrupt the consensus splice site are a relatively common cause of aberrant splicing (PMID: 17576681, 9536098). Algorithms developed to predict the effect of sequence changes on RNA splicing suggest that this variant is not likely to affect RNA splicing. In summary, the available evidence is currently insufficient to determine the role of this variant in disease. Therefore, it has been classified as a Variant of Uncertain Significance.

GeneDx
Classification: Likely benign. Last evaluated: 2020-05-20. Review status: criteria provided, single submitter. Criteria: GeneDx Variant Classification Process June 2021. Collection method: clinical testing. Allele origin: germline. Affected: yes.

Literature cited by the submitters: PubMed 17576681 (cited by Labcorp Genetics (formerly Invitae), Labcorp); PubMed 9536098 (cited by Labcorp Genetics (formerly Invitae), Labcorp).